The following is an entry in ClinVar:

ClinVar aggregate classification (germline): Conflicting classifications of pathogenicity. Review status: criteria provided, conflicting classifications (1 of 4 stars). 4 submissions from 4 submitters: Uncertain significance (3); Benign (1). Last evaluated 2025-09-30.

Conditions:
Familial meningioma. Also called: Meningioma, familial, susceptibility to. Identifiers: Orphanet 263662, MedGen C3551915, MONDO:0011789, OMIM 607174.
Hereditary cancer-predisposing syndrome. Also called: Neoplastic Syndromes, Hereditary; Hereditary Cancer Syndrome; Tumor predisposition; Hereditary neoplastic syndrome. Identifiers: Orphanet 140162, MedGen C0027672, MeSH D009386, MONDO:0015356.
Neurofibromatosis, type 2 (SWNV). Also called: BILATERAL ACOUSTIC NEUROFIBROMATOSIS; NF2-Related Schwannomatosis; SCHWANNOMATOSIS, VESTIBULAR. Identifiers: Orphanet 637, MedGen C0027832, MONDO:0007039, OMIM 101000. Disease mechanism: loss of function.

Allele frequency attached by ClinVar (database versions not stated): gnomAD 0.00001; gnomAD exomes 0.00001.
gnomAD v4.1: 4 of 1,613,710 alleles (0.00025%); highest among the groups gnomAD compares: Admixed American, 0.0067%; no homozygotes.

Submissions (4):

Labcorp Genetics (formerly Invitae), Labcorp
Classification: Uncertain significance for Neurofibromatosis, type 2. Last evaluated: 2025-09-30. Review status: criteria provided, single submitter. Criteria: Invitae Variant Classification Sherloc (09022015). Collection method: clinical testing. Allele origin: germline.
Comment: This sequence change replaces tyrosine, which is neutral and polar, with histidine, which is basic and polar, at codon 153 of the NF2 protein (p.Tyr153His). This variant is present in population databases (no rsID available, gnomAD 0.009%). This variant has not been reported in the literature in individuals affected with NF2-related conditions. ClinVar contains an entry for this variant (Variation ID: 640208). Invitae Evidence Modeling of protein sequence and biophysical properties (such as structural, functional, and spatial information, amino acid conservation, physicochemical variation, residue mobility, and thermodynamic stability) has been performed for this missense variant. However, the output from this modeling did not meet the statistical confidence thresholds required to predict the impact of this variant on NF2 protein function. In summary, the available evidence is currently insufficient to determine the role of this variant in disease. Therefore, it has been classified as a Variant of Uncertain Significance.

Baylor Genetics
Classification: Uncertain significance for Familial meningioma. Last evaluated: 2024-01-19. Review status: criteria provided, single submitter. Criteria: ACMG Guidelines, 2015. Collection method: clinical testing. Allele origin: unknown.

Ambry Genetics
Classification: Benign for Hereditary cancer-predisposing syndrome. Last evaluated: 2023-05-11. Review status: criteria provided, single submitter. Criteria: Ambry Variant Classification Scheme 2023. Collection method: clinical testing. Allele origin: germline.

Genome-Nilou Lab
Classification: Uncertain significance for Neurofibromatosis, type 2. Last evaluated: 2021-11-07. Review status: criteria provided, single submitter. Criteria: ACMG Guidelines, 2015. Collection method: clinical testing. Allele origin: germline. Affected: no.

NM_000268.4(NF2):c.457T>C (p.Tyr153His)

Gene: NF2 (NF2, moesin-ezrin-radixin like (MERLIN) tumor suppressor; plus strand). Cytogenetic location: 22q12.2.
Variant type: single nucleotide variant.
Coding change: c.457T>C on transcript NM_000268.4 (MANE Select); coding-DNA position 457, T replaced by C.
Protein change: p.Tyr153His; replaces tyrosine 153 with histidine.
Molecular consequence: missense variant. On other transcripts: non-coding transcript variant (1), intron variant (1).
Genome position (GRCh38, 1-based): chr22:29,654,666, T>C. VCF-style: chr22-29654666-T-C. GRCh37 (hg19) VCF-style: chr22-30050655-T-C.
Other names: c.457T>C, p.Tyr153His (NM_016418.5, NM_181825.3, NM_181832.3); c.331T>C, p.Tyr111His (NM_181828.3); c.334T>C, p.Tyr112His (NM_181829.3); c.208T>C, p.Tyr70His (NM_181830.3, NM_181831.3); c.447+12381T>C (NM_181833.3); short protein forms Y70H, Y112H, Y153H, Y111H.
Identifiers: ClinVar variation 640208 (VCV000640208.15), dbSNP rs1374299963, ClinGen allele CA411142125.